The following is an entry in ClinVar:

NM_001164665.2(KIAA1549):c.4217G>T (p.Arg1406Leu)

Gene: KIAA1549 (KIAA1549; minus strand). Cytogenetic location: 7q34.
Variant type: single nucleotide variant.
Coding change: c.4217G>T on transcript NM_001164665.2 (MANE Select); coding-DNA position 4217, G replaced by T.
Protein change: p.Arg1406Leu; replaces arginine 1406 with leucine.
Molecular consequence: missense variant.
Genome position (GRCh38, 1-based): chr7:138,881,400, C>A on the plus strand (G>T on the coding strand, the complement: KIAA1549 is on the minus strand). VCF-style: chr7-138881400-C-A. GRCh37 (hg19) VCF-style: chr7-138566146-C-A.
Other names: c.4217G>T, p.Arg1406Leu (NM_020910.3); short protein forms R1406L.
Identifiers: ClinVar variation 858622 (VCV000858622.10), dbSNP rs375872081, ClinGen allele CA4505975.

ClinVar aggregate classification (germline): Uncertain significance (1 of 4 stars; one submission).

gnomAD v4.1: 2 of 1,613,246 alleles (0.00012%); highest among the groups gnomAD compares: Non-Finnish European, 0.00017%; no homozygotes.

Submission:

Labcorp Genetics (formerly Invitae), Labcorp
Classification: Uncertain significance. Last evaluated: 2019-12-24. Review status: criteria provided, single submitter. Criteria: Invitae Variant Classification Sherloc (09022015). Collection method: clinical testing. Allele origin: germline.
Comment: In summary, the available evidence is currently insufficient to determine the role of this variant in disease. Therefore, it has been classified as a Variant of Uncertain Significance. Algorithms developed to predict the effect of missense changes on protein structure and function (SIFT, PolyPhen-2, Align-GVGD) all suggest that this variant is likely to be disruptive, but these predictions have not been confirmed by published functional studies and their clinical significance is uncertain. This variant has not been reported in the literature in individuals with KIAA1549-related conditions. This variant is present in population databases (rs375872081, ExAC 0.003%). This sequence change replaces arginine with leucine at codon 1406 of the KIAA1549 protein (p.Arg1406Leu). The arginine residue is highly conserved and there is a moderate physicochemical difference between arginine and leucine.